The following is an entry in ClinVar:

ClinVar aggregate classification (germline): Uncertain significance (1 of 4 stars; one submission).

Submission:

Ambry Genetics
Classification: Uncertain significance. Last evaluated: 2025-08-02. Review status: criteria provided, single submitter. Criteria: Ambry Variant Classification Scheme 2023. Collection method: clinical testing. Allele origin: germline.
Comment: The p.Q797R variant (also known as c.2390A>G), located in coding exon 5 of the CDK12 gene, results from an A to G substitution at nucleotide position 2390. The glutamine at codon 797 is replaced by arginine, an amino acid with highly similar properties. This amino acid position is conserved. In addition, the in silico prediction for this alteration is inconclusive. Based on the available evidence, the clinical significance of this variant remains unclear.

NM_016507.4(CDK12):c.2390A>G (p.Gln797Arg)

Gene: CDK12 (cyclin dependent kinase 12; plus strand). Cytogenetic location: 17q12.
Variant type: single nucleotide variant.
Coding change: c.2390A>G on transcript NM_016507.4 (MANE Select); coding-DNA position 2390, A replaced by G.
Protein change: p.Gln797Arg; replaces glutamine 797 with arginine.
Molecular consequence: missense variant.
Genome position (GRCh38, 1-based): chr17:39,494,665, A>G. VCF-style: chr17-39494665-A-G. GRCh37 (hg19) VCF-style: chr17-37650918-A-G.
Other names: c.2390A>G, p.Gln797Arg (NM_015083.4); short protein forms Q797R.
Identifiers: ClinVar variation 4224335 (VCV004224335.1).